The following is an entry in ClinVar:

NM_001379500.1(COL18A1):c.*918C>T

Genes: COL18A1 (collagen type XVIII alpha 1 chain; plus strand), SLC19A1 (solute carrier family 19 member 1; minus strand). Cytogenetic location: 21q22.3.
Variant type: single nucleotide variant.
Coding change: c.*918C>T on transcript NM_001379500.1 (MANE Select); 918 bases downstream of the stop codon, C replaced by T.
Molecular consequence: 3 prime UTR variant.
Genome position (GRCh38, 1-based): chr21:45,513,316, C>T. VCF-style: chr21-45513316-C-T. GRCh37 (hg19) VCF-style: chr21-46933230-C-T.
Other names: NM_130445.2:c.*918C>T; c.*1660G>A (NM_001205206.4, NM_001352511.3); c.*2342G>A (NM_001205207.3, NM_001352510.2, NM_001352512.2 and 1 more transcripts); c.*918C>T (NM_030582.4, NM_130444.3).
Identifiers: ClinVar variation 898537 (VCV000898537.5), dbSNP rs117981301, ClinGen allele CA321927651.

ClinVar aggregate classification (germline): Benign. Review status: criteria provided, multiple submitters, no conflicts (2 of 4 stars). 2 submissions from 2 submitters: Benign (2). Last evaluated 2018-01-13.

Conditions:
Knobloch syndrome (KNO). Also called: RETINAL DETACHMENT AND OCCIPITAL ENCEPHALOCELE; Myopia retinal detachment encephalocele. Identifiers: Orphanet 1571, MedGen C1849409, MONDO:0800166.

Allele frequency attached by ClinVar (database versions not stated): TOPMed 0.00180; 1000 Genomes Project 30x 0.00578; 1000 Genomes Project 0.00699; gnomAD 0.00108 and 0.00165.

Submissions (2):

Illumina Laboratory Services, Illumina
Classification: Benign for Knobloch syndrome 1. Last evaluated: 2018-01-13. Review status: criteria provided, single submitter. Criteria: ICSL Variant Classification Criteria 13 December 2019. Collection method: clinical testing. Allele origin: germline.
Comment: This variant was observed in the ICSL laboratory as part of a predisposition screen in an ostensibly healthy population. It had not been previously curated by ICSL or reported in the Human Gene Mutation Database (HGMD: prior to June 1st, 2018), and was therefore a candidate for classification through an automated scoring system. Utilizing variant allele frequency, disease prevalence and penetrance estimates, and inheritance mode, an automated score was calculated to assess if this variant is too frequent to cause the disease. Based on the score and internal cut-off values, a variant classified as benign is not then subjected to further curation. The score for this variant resulted in a classification of benign for this disease.

Breakthrough Genomics
Classification: Benign. Review status: criteria provided, single submitter. Criteria: ACMG Guidelines, 2015. Collection method: not provided. Allele origin: germline. Inheritance: Autosomal recessive inheritance. Affected: yes.